The following is an entry in ClinVar:

ClinVar aggregate classification (germline): Uncertain significance (1 of 4 stars; one submission).

Submission:

Ambry Genetics
Classification: Uncertain significance. Last evaluated: 2026-08-05. Review status: criteria provided, single submitter. Criteria: Ambry Variant Classification Scheme 2023. Collection method: clinical testing. Allele origin: germline.
Comment: The c.643G>A (p.V215I) alteration is located in exon 2 (coding exon 1) of the SLC10A3 gene. This alteration results from a G to A substitution at nucleotide position 643, causing the valine (V) at amino acid position 215 to be replaced by an isoleucine (I). Based on data from gnomAD, the A allele has an overall frequency of 0.001% (2/183027) total alleles studied. The highest observed frequency was 0.003% (2/81561) of European (non-Finnish) alleles. Based on insufficient or conflicting evidence, the clinical significance of this alteration remains unclear.

NM_019848.5(SLC10A3):c.643G>A (p.Val215Ile)

Gene: SLC10A3 (solute carrier family 10 member 3; minus strand). Cytogenetic location: Xq28.
Variant type: single nucleotide variant.
Coding change: c.643G>A on transcript NM_019848.5 (MANE Select); coding-DNA position 643, G replaced by A.
Protein change: p.Val215Ile; replaces valine 215 with isoleucine.
Molecular consequence: missense variant.
Genome position (GRCh38, 1-based): chrX:154,488,298, C>T on the plus strand (G>A on the coding strand, the complement: SLC10A3 is on the minus strand). VCF-style: chrX-154488298-C-T. GRCh37 (hg19) VCF-style: chrX-153716637-C-T.
Other names: c.556G>A, p.Val186Ile (NM_001142391.3); c.643G>A, p.Val215Ile (NM_001142392.3); short protein forms V215I, V186I.
Identifiers: ClinVar variation 5029583 (VCV005029583.1).